The following is an entry in ClinVar:

ClinVar aggregate classification (germline): Pathogenic/Likely pathogenic. Review status: criteria provided, multiple submitters, no conflicts (2 of 4 stars). 2 submissions from 2 submitters: Pathogenic (1); Likely pathogenic (1). Last evaluated 2025-08-04.

Conditions:
Autosomal recessive limb-girdle muscular dystrophy type 2A (LGMDR1). Also called: LEYDEN-MOEBIUS MUSCULAR DYSTROPHY; Calpainopathy; MUSCULAR DYSTROPHY, PELVOFEMORAL; Limb-girdle muscular dystrophy, type 2A; Muscular dystrophy, limb-girdle, type 2A, Amish. Identifiers: Orphanet 267, MedGen C1869123, MONDO:0009675, OMIM 253600. Disease mechanism: loss of function.

Allele frequency attached by ClinVar (database versions not stated): ExAC 0.00001.

Submissions (2):

Natera, Inc.
Classification: Likely pathogenic for Limb-girdle muscular dystrophy type 2A. Last evaluated: 2025-08-04. Review status: criteria provided, single submitter. Criteria: Natera Variant Classification Schema (03/2026). Collection method: clinical testing. Allele origin: germline.
Comment: The c.1375C>T variant in CAPN3 is a nonsense variant predicted to introduce a stop codon at amino acid 459. This variant is expected to result in nonsense mediated decay, truncation, or a dysfunctional protein product. This variant is rare in the general population with a frequency below the threshold expected for the associated phenotype(s). Given the available evidence, this variant is classified as Likely Pathogenic.

Labcorp Genetics (formerly Invitae), Labcorp
Classification: Pathogenic for Autosomal recessive limb-girdle muscular dystrophy type 2A. Last evaluated: 2023-02-26. Review status: criteria provided, single submitter. Criteria: Invitae Variant Classification Sherloc (09022015). Collection method: clinical testing. Allele origin: germline.
Comment: Algorithms developed to predict the effect of sequence changes on RNA splicing suggest that this variant may create or strengthen a splice site. For these reasons, this variant has been classified as Pathogenic. This sequence change creates a premature translational stop signal (p.Gln459*) in the CAPN3 gene. It is expected to result in an absent or disrupted protein product. Loss-of-function variants in CAPN3 are known to be pathogenic (PMID: 10330340, 15689361). This variant is present in population databases (rs773631149, gnomAD 0.0009%). This variant has not been reported in the literature in individuals affected with CAPN3-related conditions.

Literature cited by the submitters: PubMed 10330340 (cited by Labcorp Genetics (formerly Invitae), Labcorp); PubMed 15689361 (cited by Labcorp Genetics (formerly Invitae), Labcorp).

NM_000070.3(CAPN3):c.1375C>T (p.Gln459Ter)

Genes: CAPN3 (calpain 3; plus strand), LOC130056921 (ATAC-STARR-seq lymphoblastoid active region 9300; plus strand). Cytogenetic location: 15q15.1.
Variant type: single nucleotide variant.
Coding change: c.1375C>T on transcript NM_000070.3 (MANE Select); coding-DNA position 1375, C replaced by T.
Protein change: p.Gln459Ter; replaces glutamine 459 with a stop codon.
Molecular consequence: nonsense.
Genome position (GRCh38, 1-based): chr15:42,401,661, C>T. VCF-style: chr15-42401661-C-T. GRCh37 (hg19) VCF-style: chr15-42693859-C-T.
Other names: c.1375C>T (NM_000070.2); c.1375C>T, p.Gln459Ter (NM_024344.2); c.1231C>T, p.Gln411Ter (NM_173087.2); c.1114C>T, p.Gln372Ter (NM_212464.2); c.*1068C>T (NM_212467.2); short protein forms Q372*, Q411*, Q459*.
Identifiers: ClinVar variation 3011491 (VCV003011491.4), dbSNP rs773631149, ClinGen allele CA7511345.